The following is an entry in ClinVar:

NM_001080517.3(SETD5):c.4069A>G (p.Thr1357Ala)

Gene: SETD5 (SET domain containing 5; plus strand). Cytogenetic location: 3p25.3.
Variant type: single nucleotide variant.
Coding change: c.4069A>G on transcript NM_001080517.3 (MANE Select); coding-DNA position 4069, A replaced by G.
Protein change: p.Thr1357Ala; replaces threonine 1357 with alanine.
Molecular consequence: missense variant.
Genome position (GRCh38, 1-based): chr3:9,475,831, A>G. VCF-style: chr3-9475831-A-G. GRCh37 (hg19) VCF-style: chr3-9517515-A-G.
Other names: c.3775A>G, p.Thr1259Ala (NM_001292043.2, NM_001349451.2); short protein forms T1259A, T1357A.
Identifiers: ClinVar variation 1302700 (VCV001302700.2), dbSNP rs897775060, ClinGen allele CA69952013.

ClinVar aggregate classification (germline): Uncertain significance (1 of 4 stars; one submission).

Allele frequency attached by ClinVar (database versions not stated): gnomAD exomes below 0.00001 and 0.00001; gnomAD 0.00003.
gnomAD v4.1: 9 of 1,613,722 alleles (0.00056%); highest among the groups gnomAD compares: African/African-American, 0.011%; no homozygotes.

Submission:

GeneDx
Classification: Uncertain significance. Last evaluated: 2019-05-03. Review status: criteria provided, single submitter. Criteria: GeneDx Variant Classification Process June 2021. Collection method: clinical testing. Allele origin: germline. Affected: yes.
Comment: In silico analysis, which includes protein predictors and evolutionary conservation, supports that this variant does not alter protein structure/function; Has not been previously published as pathogenic or benign to our knowledge